The following is an entry in ClinVar:

ClinVar aggregate classification (germline): Likely benign. Review status: criteria provided, multiple submitters, no conflicts (2 of 4 stars). 2 submissions from 2 submitters: Likely benign (2). Last evaluated 2025-02-01.

Allele frequency attached by ClinVar (database versions not stated): gnomAD exomes 0.00001 and 0.00002; gnomAD 0.00002 and 0.00003; TOPMed 0.00002; ExAC 0.00003; ESP Exome Variant Server 0.00008; 1000 Genomes Project 0.00040; 1000 Genomes Project 30x 0.00047.
gnomAD v4.1: 17 of 1,614,060 alleles (0.0011%); highest among the groups gnomAD compares: Middle Eastern, 0.017%; no homozygotes.

Submissions (2):

CeGaT Center for Human Genetics Tuebingen
Classification: Likely benign. Last evaluated: 2025-02-01. Review status: criteria provided, single submitter. Criteria: CeGaT Center For Human Genetics Tuebingen Variant Classification Criteria Version 2. Collection method: clinical testing. Allele origin: germline. Affected: yes. Observed: 1 variant allele.
Comment: SPTBN2: BP4, BP7

Labcorp Genetics (formerly Invitae), Labcorp
Classification: Likely benign. Last evaluated: 2023-06-26. Review status: criteria provided, single submitter. Criteria: Invitae Variant Classification Sherloc (09022015). Collection method: clinical testing. Allele origin: germline.

NM_006946.4(SPTBN2):c.5901C>T (p.Ile1967=)

Gene: SPTBN2 (spectrin beta, non-erythrocytic 2; minus strand). Cytogenetic location: 11q13.2.
Variant type: single nucleotide variant.
Coding change: c.5901C>T on transcript NM_006946.4 (MANE Select); coding-DNA position 5901, C replaced by T.
Protein change: p.Ile1967=; no amino-acid change (isoleucine 1967 retained).
Molecular consequence: synonymous variant.
Genome position (GRCh38, 1-based): chr11:66,689,853, G>A on the plus strand (C>T on the coding strand, the complement: SPTBN2 is on the minus strand). VCF-style: chr11-66689853-G-A. GRCh37 (hg19) VCF-style: chr11-66457324-G-A.
Identifiers: ClinVar variation 1548547 (VCV001548547.21), dbSNP rs200009167, ClinGen allele CA6128120.
Genomic context (GRCh38, chr11:66,689,853, plus strand): 5'-GGCCTCACCCACCTCCTCGGCCGCATAGTGGCTCCTGGCCAGCAGCTCCTTCCCCATGTC[G>A]ATGCAGGAGGAGAAGCGGTCTGCCCGGGCCTCTATCTCTGCCTTGATGCCTTGCTGGTTC-3'
Protein context (NP_008877.2, residues 1957-1977): EARADRFSSC[Ile1967=]DMGKELLARS